The following is an entry in ClinVar:

ClinVar aggregate classification (germline): Uncertain significance (1 of 4 stars; one submission).

Submission:

GeneDx
Classification: Uncertain significance. Last evaluated: 2025-02-20. Review status: criteria provided, single submitter. Criteria: GeneDx Variant Classification Process June 2021. Collection method: clinical testing. Allele origin: germline. Affected: yes.
Comment: Not observed at significant frequency in large population cohorts (gnomAD); In silico analysis indicates that this missense variant does not alter protein structure/function; Has not been previously published as pathogenic or benign to our knowledge

NM_001005373.4(LRSAM1):c.1929G>C (p.Met643Ile)

Gene: LRSAM1 (leucine rich repeat and sterile alpha motif containing 1; plus strand). Cytogenetic location: 9q34.11.
Variant type: single nucleotide variant.
Coding change: c.1929G>C on transcript NM_001005373.4 (MANE Select); coding-DNA position 1929, G replaced by C.
Protein change: p.Met643Ile; replaces methionine 643 with isoleucine.
Molecular consequence: missense variant. On other transcripts: non-coding transcript variant (2).
Genome position (GRCh38, 1-based): chr9:127,501,026, G>C. VCF-style: chr9-127501026-G-C. GRCh37 (hg19) VCF-style: chr9-130263305-G-C.
Other names: c.1929G>C, p.Met643Ile (NM_001005374.4, NM_001384142.1, NM_138361.5); c.1848G>C, p.Met616Ile (NM_001190723.3); c.1830G>C, p.Met610Ile (NM_001384143.1); c.1140G>C, p.Met380Ile (NM_001384144.1); short protein forms M380I, M610I, M616I, M643I.
Identifiers: ClinVar variation 4076809 (VCV004076809.1).